The following is an entry in ClinVar:

NM_005993.5(TBCD):c.1127T>C (p.Val376Ala)

Gene: TBCD (tubulin folding cofactor D). Cytogenetic location: 17q25.3.
Variant type: single nucleotide variant.
Coding change: c.1127T>C on transcript NM_005993.5 (MANE Select); coding-DNA position 1127, T replaced by C.
Protein change: p.Val376Ala; replaces valine 376 with alanine.
Molecular consequence: missense variant.
Genome position (GRCh38, 1-based): chr17:82,807,647, T>C. VCF-style: chr17-82807647-T-C. GRCh37 (hg19) VCF-style: chr17-80765523-T-C.
Other names: c.1076T>C, p.Val359Ala (NM_001411101.1); c.1127T>C, p.Val376Ala (NM_001411102.1); short protein forms V359A, V376A.
Identifiers: ClinVar variation 2811350 (VCV002811350.3), dbSNP rs2510883800, ClinGen allele CA401620144.

ClinVar aggregate classification (germline): Uncertain significance (1 of 4 stars; one submission).

Allele frequency attached by ClinVar (database versions not stated): gnomAD exomes below 0.00001.
gnomAD v4.1: 2 of 1,551,704 alleles (0.00013%); highest among the groups gnomAD compares: South Asian, 0.0012%; no homozygotes.

Submission:

Labcorp Genetics (formerly Invitae), Labcorp
Classification: Uncertain significance. Last evaluated: 2024-10-24. Review status: criteria provided, single submitter. Criteria: Invitae Variant Classification Sherloc (09022015). Collection method: clinical testing. Allele origin: germline.
Comment: This sequence change replaces valine, which is neutral and non-polar, with alanine, which is neutral and non-polar, at codon 376 of the TBCD protein (p.Val376Ala). This variant is not present in population databases (gnomAD no frequency). This variant has not been reported in the literature in individuals affected with TBCD-related conditions. Invitae Evidence Modeling of protein sequence and biophysical properties (such as structural, functional, and spatial information, amino acid conservation, physicochemical variation, residue mobility, and thermodynamic stability) indicates that this missense variant is expected to disrupt TBCD protein function with a positive predictive value of 95%. In summary, the available evidence is currently insufficient to determine the role of this variant in disease. Therefore, it has been classified as a Variant of Uncertain Significance.